The following is an entry in ClinVar:

NM_001370100.5(ZMYND11):c.446dup (p.Lys150fs)

Gene: ZMYND11 (zinc finger MYND-type containing 11; plus strand). Cytogenetic location: 10p15.3.
Variant type: Duplication.
Coding change: c.446dup on transcript NM_001370100.5 (MANE Select); coding-DNA position 446, one base duplicated (A; older notation c.446dupA).
Protein change: p.Lys150fs; shifts the reading frame from lysine 150.
Molecular consequence: frameshift variant. On other transcripts: 5 prime UTR variant (1), non-coding transcript variant (1).
Genome position (GRCh38, 1-based): chr10:236,845, A duplicated; the last of 2 consecutive A bases (chr10:236,844-236,845); duplicating either gives the same sequence. VCF-style (leftmost placement, unchanged base first): chr10-236843-T-TA. GRCh37 (hg19) VCF-style: chr10-282783-T-TA.
Other names: c.284dup, p.Lys96fs (NM_001202464.3, NM_001202465.3, NM_001202466.3 and 11 more transcripts); c.395dup, p.Lys133fs (NM_001370112.2, NM_001330057.3); c.446dup, p.Lys150fs (NM_001370113.2, NM_001370114.2, NM_001370115.2 and 10 more transcripts); c.380dup, p.Lys128fs (NM_001370116.2); c.326dup, p.Lys110fs (NM_001370118.2); c.218dup, p.Lys74fs (NM_001370120.2); c.164dup, p.Lys56fs (NM_001370121.2); c.233dup, p.Lys79fs (NM_001370123.2); and 1 more; short protein forms K150fs, K79fs, K110fs, K128fs, K56fs, K133fs, K74fs, K96fs.
Identifiers: ClinVar variation 3725487 (VCV003725487.2).

ClinVar aggregate classification (germline): Pathogenic (1 of 4 stars; one submission).

Submission:

Labcorp Genetics (formerly Invitae), Labcorp
Classification: Pathogenic. Last evaluated: 2025-02-10. Review status: criteria provided, single submitter. Criteria: Invitae Variant Classification Sherloc (09022015). Collection method: clinical testing. Allele origin: germline.
Comment: This sequence change creates a premature translational stop signal (p.Lys150Glufs*28) in the ZMYND11 gene. It is expected to result in an absent or disrupted protein product. Loss-of-function variants in ZMYND11 are known to be pathogenic (PMID: 25217958). This variant is not present in population databases (gnomAD no frequency). This variant has not been reported in the literature in individuals affected with ZMYND11-related conditions. For these reasons, this variant has been classified as Pathogenic.

Literature cited by the submitters: PubMed 25217958.